The following is an entry in ClinVar:

ClinVar aggregate classification (germline): Conflicting classifications of pathogenicity. Review status: criteria provided, conflicting classifications (1 of 4 stars). 4 submissions from 4 submitters: Likely pathogenic (1); Uncertain significance (3). Last evaluated 2026-02-02.

Conditions:
RASopathy. Also called: Noonan spectrum disorder; rasopathies. Identifiers: Orphanet 536391, MedGen C5555857, MONDO:0021060.
CBL-related disorder. Also called: CBL MUTATION-ASSOCIATED SYNDROME; CBL SYNDROME; NOONAN SYNDROME-LIKE DISORDER WITHOUT JUVENILE MYELOMONOCYTIC LEUKEMIA. Identifiers: Orphanet 363972, MedGen C3150803, MONDO:0013308, OMIM 613563.

gnomAD v4.1: 42 of 1,613,940 alleles (0.0026%); highest among the groups gnomAD compares: Non-Finnish European, 0.0033%; no homozygotes.

Submissions (4):

Labcorp Genetics (formerly Invitae), Labcorp
Classification: Uncertain significance for RASopathy. Last evaluated: 2026-02-02. Review status: criteria provided, single submitter. Criteria: Invitae Variant Classification Sherloc (09022015). Collection method: clinical testing. Allele origin: germline.
Comment: This sequence change replaces arginine, which is basic and polar, with leucine, which is neutral and non-polar, at codon 585 of the CBL protein (p.Arg585Leu). This variant is present in population databases (rs727504640, gnomAD 0.002%). This missense change has been observed in individual(s) with clinical features of hypertrophic cardiomyopathy (PMID: 25731833). ClinVar contains an entry for this variant (Variation ID: 179116). Invitae Evidence Modeling of protein sequence and biophysical properties (such as structural, functional, and spatial information, amino acid conservation, physicochemical variation, residue mobility, and thermodynamic stability) indicates that this missense variant is not expected to disrupt CBL protein function with a negative predictive value of 95%. In summary, the available evidence is currently insufficient to determine the role of this variant in disease. Therefore, it has been classified as a Variant of Uncertain Significance.

Blueprint Genetics
Classification: Uncertain significance. Last evaluated: 2023-11-06. Review status: criteria provided, single submitter. Criteria: ACMG Guidelines, 2015. Collection method: clinical testing. Allele origin: germline.

Laboratory for Molecular Medicine, Mass General Brigham Personalized Medicine
Classification: Uncertain significance. Last evaluated: 2013-06-28. Review status: criteria provided, single submitter. Criteria: LMM Criteria. Collection method: clinical testing. Allele origin: germline. Observed: 2 variant alleles.
Comment: The Arg585Leu variant in CBL has not been previously reported in individuals wi th clinical features of Noonan syndrome or in large population studies. Computat ional analyses (biochemical amino acid properties, conservation, AlignGVGD, Poly Phen2, and SIFT) do not provide strong support for or against an impact to the p rotein. In summary, additional information is needed to fully assess the clinica l significance of the Arg585Leu variant.

Institute Of Molecular Biology And Genetics, Federal Almazov National Medical Research Centre
Classification: Likely pathogenic for CBL-related disorder. Review status: criteria provided, single submitter. Criteria: ACMG Guidelines, 2015. Collection method: research. Allele origin: germline. Inheritance: Autosomal dominant inheritance. Affected: yes.

Literature cited by the submitters: PubMed 25731833 (cited by Labcorp Genetics (formerly Invitae), Labcorp and Institute Of Molecular Biology And Genetics, Federal Almazov National Medical Research Centre).

NM_005188.4(CBL):c.1754G>T (p.Arg585Leu)

Gene: CBL (Cbl proto-oncogene; plus strand). Cytogenetic location: 11q23.3.
Variant type: single nucleotide variant.
Coding change: c.1754G>T on transcript NM_005188.4 (MANE Select); coding-DNA position 1754, G replaced by T.
Protein change: p.Arg585Leu; replaces arginine 585 with leucine.
Molecular consequence: missense variant.
Genome position (GRCh38, 1-based): chr11:119,285,379, G>T. VCF-style: chr11-119285379-G-T. GRCh37 (hg19) VCF-style: chr11-119156089-G-T.
Other names: short protein forms R585L.
Identifiers: ClinVar variation 179116 (VCV000179116.16), dbSNP rs727504640, ClinGen allele CA183762.